The following is an entry in ClinVar:

NM_001024630.4(RUNX2):c.1436G>T (p.Gly479Val)

Gene: RUNX2 (RUNX family transcription factor 2; plus strand). Cytogenetic location: 6p21.1.
Variant type: single nucleotide variant.
Coding change: c.1436G>T on transcript NM_001024630.4 (MANE Select); coding-DNA position 1436, G replaced by T.
Protein change: p.Gly479Val; replaces glycine 479 with valine.
Molecular consequence: missense variant.
Genome position (GRCh38, 1-based): chr6:45,547,175, G>T. VCF-style: chr6-45547175-G-T. GRCh37 (hg19) VCF-style: chr6-45514912-G-T.
Other names: c.1370G>T, p.Gly457Val (NM_001015051.4); c.1328G>T, p.Gly443Val (NM_001278478.2); c.1394G>T, p.Gly465Val (NM_001369405.1); c.1436G>T (NM_001024630.3); short protein forms G443V, G457V, G465V, G479V.
Identifiers: ClinVar variation 3610374 (VCV003610374.3).

ClinVar aggregate classification (germline): Uncertain significance. Review status: criteria provided, multiple submitters, no conflicts (2 of 4 stars). 2 submissions from 2 submitters: Uncertain significance (2). Last evaluated 2025-12-10.

Conditions:
Inborn genetic diseases. Identifiers: MedGen C0950123, MeSH D030342.

gnomAD v4.1: 6 of 1,614,126 alleles (0.00037%); highest among the groups gnomAD compares: Non-Finnish European, 0.00051%; no homozygotes.

Submissions (2):

Ambry Genetics
Classification: Uncertain significance for Inborn genetic diseases. Last evaluated: 2025-12-10. Review status: criteria provided, single submitter. Criteria: Ambry Variant Classification Scheme 2023. Collection method: clinical testing. Allele origin: germline.

Labcorp Genetics (formerly Invitae), Labcorp
Classification: Uncertain significance. Last evaluated: 2024-08-05. Review status: criteria provided, single submitter. Criteria: Invitae Variant Classification Sherloc (09022015). Collection method: clinical testing. Allele origin: germline.
Comment: This sequence change replaces glycine, which is neutral and non-polar, with valine, which is neutral and non-polar, at codon 479 of the RUNX2 protein (p.Gly479Val). This variant is present in population databases (rs746611102, gnomAD 0.0009%). This variant has not been reported in the literature in individuals affected with RUNX2-related conditions. Advanced modeling of protein sequence and biophysical properties (such as structural, functional, and spatial information, amino acid conservation, physicochemical variation, residue mobility, and thermodynamic stability) performed at Invitae indicates that this missense variant is not expected to disrupt RUNX2 protein function with a negative predictive value of 80%. In summary, the available evidence is currently insufficient to determine the role of this variant in disease. Therefore, it has been classified as a Variant of Uncertain Significance.